The following is an entry in ClinVar:

ClinVar aggregate classification (germline): Likely pathogenic. Review status: criteria provided, multiple submitters, no conflicts (2 of 4 stars). 2 submissions from 2 submitters: Likely pathogenic (2). Last evaluated 2023-08-02.

Conditions:
Pituitary adenoma 5, multiple types. Identifiers: MedGen C4539685, MONDO:0054601, OMIM 617540.

Allele frequency attached by ClinVar (database versions not stated): TOPMed below 0.00001.

Submissions (2):

Baylor Genetics
Classification: Likely pathogenic for Pituitary adenoma 5, multiple types. Last evaluated: 2023-08-02. Review status: criteria provided, single submitter. Criteria: ACMG Guidelines, 2015. Collection method: clinical testing. Allele origin: unknown.

Labcorp Genetics (formerly Invitae), Labcorp
Classification: Likely pathogenic. Last evaluated: 2019-03-07. Review status: criteria provided, single submitter. Criteria: Invitae Variant Classification Sherloc (09022015). Collection method: clinical testing. Allele origin: germline.
Comment: This variant has not been reported in the literature in individuals with CDH23-related conditions. This variant is not present in population databases (ExAC no frequency). This sequence change affects an acceptor splice site in intron 34 of the CDH23 gene. It is expected to disrupt RNA splicing and likely results in an absent or disrupted protein product. Algorithms developed to predict the effect of sequence changes on RNA splicing suggest that this variant may disrupt the consensus splice site, but this prediction has not been confirmed by published transcriptional studies. In summary, the currently available evidence indicates that the variant is pathogenic, but additional data are needed to prove that conclusively. Therefore, this variant has been classified as Likely Pathogenic. Donor and acceptor splice site variants typically lead to a loss of protein function (PMID: 16199547), and loss-of-function variants in CDH23 are known to be pathogenic (PMID: 11138009, 21940737).

Literature cited by the submitters: PubMed 16199547 (cited by Labcorp Genetics (formerly Invitae), Labcorp); PubMed 11138009 (cited by Labcorp Genetics (formerly Invitae), Labcorp); PubMed 21940737 (cited by Labcorp Genetics (formerly Invitae), Labcorp).

NM_022124.6(CDH23):c.4210-1G>A

Gene: CDH23 (cadherin related 23; plus strand). Cytogenetic location: 10q22.1.
Variant type: single nucleotide variant.
Coding change: c.4210-1G>A on transcript NM_022124.6 (MANE Select); the canonical splice acceptor site of the intron before coding-DNA position 4210, G replaced by A.
Molecular consequence: splice acceptor variant.
Genome position (GRCh38, 1-based): chr10:71,738,497, G>A. VCF-style: chr10-71738497-G-A. GRCh37 (hg19) VCF-style: chr10-73498254-G-A.
Identifiers: ClinVar variation 855788 (VCV000855788.9), dbSNP rs1166948274, ClinGen allele CA377158958.
Genomic context (GRCh38, chr10:71,738,497, plus strand): 5'-CAGGTGTTTGGGGCCAAGGAGGGGAAGGAGGCTGTAGGTCTCTGACCACGTTCACCCTCA[G>A]GTCTACATCACTGTGCTGGACGAGAATGACAACAGCCCCCGGTTTGACTTCACCTCCGAC-3'